The following is an entry in ClinVar:

NM_002906.4(RDX):c.694G>A (p.Asp232Asn)

Gene: RDX (radixin; minus strand). Cytogenetic location: 11q22.3.
Variant type: single nucleotide variant.
Coding change: c.694G>A on transcript NM_002906.4 (MANE Select); coding-DNA position 694, G replaced by A.
Protein change: p.Asp232Asn; replaces aspartic acid 232 with asparagine.
Molecular consequence: missense variant. On other transcripts: intron variant (2).
Genome position (GRCh38, 1-based): chr11:110,257,771, C>T on the plus strand (G>A on the coding strand, the complement: RDX is on the minus strand). VCF-style: chr11-110257771-C-T. GRCh37 (hg19) VCF-style: chr11-110128496-C-T.
Other names: c.694G>A, p.Asp232Asn (NM_001260492.2, NM_001260493.2); c.286G>A, p.Asp96Asn (NM_001260494.2); c.-82-9938G>A (NM_001260495.2); c.404+386G>A (NM_001260496.2); short protein forms D232N, D96N.
Identifiers: ClinVar variation 1065066 (VCV001065066.4), dbSNP rs752091940, ClinGen allele CA6270254.
Genomic context (GRCh38, chr11:110,257,771, plus strand): 5'-AACGTCATTTAGACCACTGAACAATGACTAGTTCACTATGCAACTAATTTACTTACTTGT[C>T]GTCATGCTCATAAATATTCAGACCCAAAGCATCAACACCTAGCCACAATTCAGTTCCTTT-3'
Protein context (NP_002897.1, residues 222-242): ALGLNIYEHD[Asp232Asn]KLTPKIGFPW

ClinVar aggregate classification (germline): Uncertain significance. Review status: criteria provided, multiple submitters, no conflicts (2 of 4 stars). 2 submissions from 2 submitters: Uncertain significance (2). Last evaluated 2025-05-01.

Conditions:
Hearing impairment. Also called: Impaired Hearing. Identifiers: MedGen C1384666, MONDO:0005365, HP:0000365.

Allele frequency attached by ClinVar (database versions not stated): TOPMed 0.00002; gnomAD 0.00003; ExAC 0.00004; gnomAD exomes 0.00006 and 0.00002.
gnomAD v4.1: 34 of 1,611,480 alleles (0.0021%); highest among the groups gnomAD compares: Non-Finnish European, 0.0027%; no homozygotes.

Submissions (2):

GeneDx
Classification: Uncertain significance. Last evaluated: 2025-05-01. Review status: criteria provided, single submitter. Criteria: GeneDx Variant Classification Process June 2021. Collection method: clinical testing. Allele origin: germline. Affected: yes.
Comment: In silico analysis supports that this missense variant has a deleterious effect on protein structure/function; Has not been previously published as pathogenic or benign to our knowledge

Department of Otolaryngology – Head & Neck Surgery, Cochlear Implant Center
Classification: Uncertain significance for Hearing impairment. Last evaluated: 2021-04-12. Review status: criteria provided, single submitter. Criteria: ClinGen HL ACMG Specifications v1. Collection method: clinical testing. Allele origin: germline. Affected: yes.
Comment: PM3_Moderate, PP3_Supporting